The following is an entry in ClinVar:

ClinVar aggregate classification (germline): Uncertain significance. Review status: criteria provided, single submitter (1 of 4 stars). 2 submissions from 2 submitters: Uncertain significance (1). 1 of the submissions does not count toward it. Last evaluated 2025-08-21.

Conditions:
THADA-related disorder. Also called: THADA-related condition.

Allele frequency attached by ClinVar (database versions not stated): ExAC 0.00055; 1000 Genomes Project 0.00140; 1000 Genomes Project 30x 0.00172; ESP Exome Variant Server 0.00233.
gnomAD v4.1: 477 of 1,614,016 alleles (0.03%); highest among the groups gnomAD compares: African/African-American, 0.58%; no homozygotes.

Submissions (2):

Ambry Genetics
Classification: Uncertain significance. Last evaluated: 2025-08-21. Review status: criteria provided, single submitter. Criteria: Ambry Variant Classification Scheme 2023. Collection method: clinical testing. Allele origin: germline.

PreventionGenetics, part of Exact Sciences
Classification: Benign for THADA-related condition. Last evaluated: 2019-03-22. Review status: no assertion criteria provided. Collection method: clinical testing. Allele origin: germline. Not counted in ClinVar's aggregate classification.
Comment: This variant is classified as benign based on ACMG/AMP sequence variant interpretation guidelines (Richards et al. 2015 PMID: 25741868, with internal and published modifications).

NM_022065.5(THADA):c.1375G>C (p.Gly459Arg)

Gene: THADA (THADA armadillo repeat containing; minus strand). Cytogenetic location: 2p21.
Variant type: single nucleotide variant.
Coding change: c.1375G>C on transcript NM_022065.5 (MANE Select); coding-DNA position 1375, G replaced by C.
Protein change: p.Gly459Arg; replaces glycine 459 with arginine.
Molecular consequence: missense variant. On other transcripts: non-coding transcript variant (2).
Genome position (GRCh38, 1-based): chr2:43,574,690, C>G on the plus strand (G>C on the coding strand, the complement: THADA is on the minus strand). VCF-style: chr2-43574690-C-G. GRCh37 (hg19) VCF-style: chr2-43801829-C-G.
Other names: c.1375G>C, p.Gly459Arg (NM_001083953.2, NM_001271643.2, NM_001271644.2 and 2 more transcripts); c.1255G>C, p.Gly419Arg (NM_001345924.2); c.505G>C, p.Gly169Arg (NM_198554.1); c.1375G>C (NM_022065.4); short protein forms G169R, G419R, G459R.
Identifiers: ClinVar variation 3049510 (VCV003049510.3), dbSNP rs200743409, ClinGen allele CA1633328.
Genomic context (GRCh38, chr2:43,574,690, plus strand): 5'-ATGGAATAGTTTTATCTATAGCCAAAATATGTTCAACTCCTATGCACTCTACCAAACAAC[C>G]AAGGCACGTGTACTTTCCTTTAATATGCCATTCCAATCGTAAAAGACTCTCAGTCAATTC-3'
Protein context (NP_071348.3, residues 449-469): WHIKGKYTCL[Gly459Arg]CLVECIGVEH